The following is an entry in ClinVar:

ClinVar aggregate classification (germline): Uncertain significance (1 of 4 stars; one submission).

Conditions:
Cystic fibrosis (CF). Also called: MUCOVISCIDOSIS. Identifiers: Orphanet 586, MedGen C0010674, MONDO:0009061, OMIM 219700. Disease mechanism: loss of function.

Submission:

Ambry Genetics
Classification: Uncertain significance for Cystic fibrosis. Last evaluated: 2024-10-19. Review status: criteria provided, single submitter. Criteria: Ambry Variant Classification Scheme 2023. Collection method: clinical testing. Allele origin: germline.
Comment: The p.W216C variant (also known as c.648G>C), located in coding exon 6 of the CFTR gene, results from a G to C substitution at nucleotide position 648. The tryptophan at codon 216 is replaced by cysteine, an amino acid with highly dissimilar properties. This amino acid position is highly conserved in available vertebrate species. In addition, this alteration is predicted to be deleterious by in silico analysis. Based on the available evidence, the clinical significance of this variant remains unclear.

NM_000492.4(CFTR):c.648G>C (p.Trp216Cys)

Gene: CFTR (CF transmembrane conductance regulator; plus strand). Cytogenetic location: 7q31.2.
Variant type: single nucleotide variant.
Coding change: c.648G>C on transcript NM_000492.4 (MANE Select); coding-DNA position 648, G replaced by C.
Protein change: p.Trp216Cys; replaces tryptophan 216 with cysteine.
Molecular consequence: missense variant.
Genome position (GRCh38, 1-based): chr7:117,535,316, G>C. VCF-style: chr7-117535316-G-C. GRCh37 (hg19) VCF-style: chr7-117175370-G-C.
Other names: short protein forms W216C.
Identifiers: ClinVar variation 3491679 (VCV003491679.1).
Genomic context (GRCh38, chr7:117,535,316, plus strand): 5'-ATTGGCACATTTCGTGTGGATCGCTCCTTTGCAAGTGGCACTCCTCATGGGGCTAATCTG[G>C]GAGTTGTTACAGGCGTCTGCCTTCTGTGGACTTGGTTTCCTGATAGTCCTTGCCCTTTTT-3'
Protein context (NP_000483.3, residues 206-226): LQVALLMGLI[Trp216Cys]ELLQASAFCG